The following is an entry in ClinVar:

ClinVar aggregate classification (germline): Uncertain significance (1 of 4 stars; one submission).

Allele frequency attached by ClinVar (database versions not stated): gnomAD exomes below 0.00001.

Submission:

Ambry Genetics
Classification: Uncertain significance. Last evaluated: 2023-05-18. Review status: criteria provided, single submitter. Criteria: Ambry Variant Classification Scheme 2023. Collection method: clinical testing. Allele origin: germline.
Comment: The p.Y322H variant (also known as c.964T>C), located in coding exon 4 of the MNDA gene, results from a T to C substitution at nucleotide position 964. The tyrosine at codon 322 is replaced by histidine, an amino acid with similar properties. This amino acid position is conserved. In addition, this alteration is predicted to be tolerated by in silico analysis. Since supporting evidence is limited at this time, the clinical significance of this alteration remains unclear.

NM_002432.3(MNDA):c.964T>C (p.Tyr322His)

Gene: MNDA (myeloid cell nuclear differentiation antigen; plus strand). Cytogenetic location: 1q23.1.
Variant type: single nucleotide variant.
Coding change: c.964T>C on transcript NM_002432.3 (MANE Select); coding-DNA position 964, T replaced by C.
Protein change: p.Tyr322His; replaces tyrosine 322 with histidine.
Molecular consequence: missense variant.
Genome position (GRCh38, 1-based): chr1:158,845,980, T>C. VCF-style: chr1-158845980-T-C. GRCh37 (hg19) VCF-style: chr1-158815770-T-C.
Other names: short protein forms Y322H.
Identifiers: ClinVar variation 2563150 (VCV002563150.2), dbSNP rs1406674143, ClinGen allele CA343042531.